The following is an entry in ClinVar:

NM_001429.4(EP300):c.6805A>T (p.Met2269Leu)

Gene: EP300 (EP300 lysine acetyltransferase; plus strand). Cytogenetic location: 22q13.2.
Variant type: single nucleotide variant.
Coding change: c.6805A>T on transcript NM_001429.4 (MANE Select); coding-DNA position 6805, A replaced by T.
Protein change: p.Met2269Leu; replaces methionine 2269 with leucine.
Molecular consequence: missense variant.
Genome position (GRCh38, 1-based): chr22:41,178,516, A>T. VCF-style: chr22-41178516-A-T. GRCh37 (hg19) VCF-style: chr22-41574520-A-T.
Other names: c.6727A>T, p.Met2243Leu (NM_001362843.2); c.6805A>T (NM_001429.3); short protein forms M2243L, M2269L.
Identifiers: ClinVar variation 2031013 (VCV002031013.7), dbSNP rs1316610590, ClinGen allele CA411682782.

ClinVar aggregate classification (germline): Uncertain significance. Review status: criteria provided, multiple submitters, no conflicts (2 of 4 stars). 3 submissions from 3 submitters: Uncertain significance (3). Last evaluated 2026-06-01.

Conditions:
EP300-related disorder. Also called: EP300-related disorders; EP300-related condition.
Rubinstein-Taybi syndrome due to EP300 haploinsufficiency. Also called: EP300-Related Rubinstein-Taybi Syndrome; RUBINSTEIN-TAYBI SYNDROME 2. Identifiers: Orphanet 353284, Orphanet 783, MedGen C3150941, MONDO:0013364, OMIM 613684.

Allele frequency attached by ClinVar (database versions not stated): TOPMed below 0.00001.

Submissions (3):

CeGaT Center for Human Genetics Tuebingen
Classification: Uncertain significance. Last evaluated: 2026-06-01. Review status: criteria provided, single submitter. Criteria: CeGaT Center For Human Genetics Tuebingen Variant Classification Criteria Version 2. Collection method: clinical testing. Allele origin: germline. Affected: yes. Observed: 1 variant allele.
Comment: EP300: PM2

PreventionGenetics, part of Exact Sciences
Classification: Uncertain significance for EP300-related condition. Last evaluated: 2025-10-15. Review status: criteria provided, single submitter. Criteria: ACMG Guidelines, 2015. Collection method: clinical testing. Allele origin: germline.
Comment: The EP300 c.6805A>T variant is predicted to result in the amino acid substitution p.Met2269Leu. To our knowledge, this variant has not been reported in the literature or in a large population database (gnomAD), indicating this variant is rare. At this time, the clinical significance of this variant is uncertain due to the absence of conclusive functional and genetic evidence.

Labcorp Genetics (formerly Invitae), Labcorp
Classification: Uncertain significance for Rubinstein-Taybi syndrome due to EP300 haploinsufficiency. Last evaluated: 2024-10-22. Review status: criteria provided, single submitter. Criteria: Invitae Variant Classification Sherloc (09022015). Collection method: clinical testing. Allele origin: germline.
Comment: This sequence change replaces methionine, which is neutral and non-polar, with leucine, which is neutral and non-polar, at codon 2269 of the EP300 protein (p.Met2269Leu). This variant is not present in population databases (gnomAD no frequency). This variant has not been reported in the literature in individuals affected with EP300-related conditions. ClinVar contains an entry for this variant (Variation ID: 2031013). Invitae Evidence Modeling of protein sequence and biophysical properties (such as structural, functional, and spatial information, amino acid conservation, physicochemical variation, residue mobility, and thermodynamic stability) indicates that this missense variant is not expected to disrupt EP300 protein function with a negative predictive value of 80%. In summary, the available evidence is currently insufficient to determine the role of this variant in disease. Therefore, it has been classified as a Variant of Uncertain Significance.